The following is an entry in ClinVar:

NM_020999.4(NEUROG3):c.32T>C (p.Val11Ala)

Gene: NEUROG3 (neurogenin 3; minus strand). Cytogenetic location: 10q22.1.
Variant type: single nucleotide variant.
Coding change: c.32T>C on transcript NM_020999.4 (MANE Select); coding-DNA position 32, T replaced by C.
Protein change: p.Val11Ala; replaces valine 11 with alanine.
Molecular consequence: missense variant.
Genome position (GRCh38, 1-based): chr10:69,573,012, A>G on the plus strand (T>C on the coding strand, the complement: NEUROG3 is on the minus strand). VCF-style: chr10-69573012-A-G. GRCh37 (hg19) VCF-style: chr10-71332768-A-G.
Other names: short protein forms V11A.
Identifiers: ClinVar variation 1478994 (VCV001478994.3), dbSNP rs775785969, ClinGen allele CA5533799.
Genomic context (GRCh38, chr10:69,573,012, plus strand): 5'-CAGGTCACTTCGTCTTCCGAGGCTCTGGGGAAGGACCGCTCCGTCTCACGGGTCACTTGG[A>G]CAGTGGGCGCACCCGAGGGTTGAGGCGTCATCCTACGGCGGGGTCAGAGGGAAGGGTAAG-3'
Protein context (NP_066279.2, residues 1-21): MTPQPSGAPT[Val11Ala]QVTRETERSF

ClinVar aggregate classification (germline): Uncertain significance (1 of 4 stars; one submission).

Allele frequency attached by ClinVar (database versions not stated): gnomAD exomes 0.00001 and 0.00002; ExAC 0.00003.
gnomAD v4.1: 11 of 1,613,596 alleles (0.00068%); highest among the groups gnomAD compares: South Asian, 0.012%; no homozygotes.

Submission:

Labcorp Genetics (formerly Invitae), Labcorp
Classification: Uncertain significance. Last evaluated: 2021-10-04. Review status: criteria provided, single submitter. Criteria: Invitae Variant Classification Sherloc (09022015). Collection method: clinical testing. Allele origin: germline.
Comment: This sequence change replaces valine with alanine at codon 11 of the NEUROG3 protein (p.Val11Ala). The valine residue is weakly conserved and there is a small physicochemical difference between valine and alanine. This variant is present in population databases (rs775785969, ExAC 0.02%). This variant has not been reported in the literature in individuals affected with NEUROG3-related conditions. Algorithms developed to predict the effect of missense changes on protein structure and function are either unavailable or do not agree on the potential impact of this missense change (SIFT: "Deleterious"; PolyPhen-2: "Benign"; Align-GVGD: "Class C0"). In summary, the available evidence is currently insufficient to determine the role of this variant in disease. Therefore, it has been classified as a Variant of Uncertain Significance.